The following is an entry in ClinVar:

ClinVar aggregate classification (germline): Uncertain significance. Review status: criteria provided, single submitter (1 of 4 stars). 2 submissions from 2 submitters: Uncertain significance (1). 1 of the submissions does not count toward it. Last evaluated 2023-12-17.

Conditions:
Autosomal recessive nonsyndromic hearing loss 9. Also called: NEUROSENSORY NONSYNDROMIC RECESSIVE DEAFNESS 9; OTOF-Related Hearing Loss; Deafness, autosomal recessive 9; AUDITORY NEUROPATHY, AUTOSOMAL RECESSIVE, 1, TEMPERATURE-SENSITIVE. Identifiers: Orphanet 90636, MedGen C1832828, MONDO:0010986, OMIM 601071.

Allele frequency attached by ClinVar (database versions not stated): TOPMed below 0.00001; gnomAD 0.00001; gnomAD exomes below 0.00001.
gnomAD v4.1: 4 of 1,612,812 alleles (0.00025%); highest among the groups gnomAD compares: Non-Finnish European, 0.00034%; no homozygotes.

Submissions (2):

Labcorp Genetics (formerly Invitae), Labcorp
Classification: Uncertain significance. Last evaluated: 2023-12-17. Review status: criteria provided, single submitter. Criteria: Invitae Variant Classification Sherloc (09022015). Collection method: clinical testing. Allele origin: germline.
Comment: This sequence change replaces phenylalanine, which is neutral and non-polar, with serine, which is neutral and polar, at codon 565 of the OTOF protein (p.Phe565Ser). This variant is not present in population databases (gnomAD no frequency). This missense change has been observed in individual(s) with 33908410 (deafness). Advanced modeling of protein sequence and biophysical properties (such as structural, functional, and spatial information, amino acid conservation, physicochemical variation, residue mobility, and thermodynamic stability) has been performed at Invitae for this missense variant, however the output from this modeling did not meet the statistical confidence thresholds required to predict the impact of this variant on OTOF protein function. In summary, the available evidence is currently insufficient to determine the role of this variant in disease. Therefore, it has been classified as a Variant of Uncertain Significance.

Diagnosis and Treatment Center of Genetic Hearing Loss, Eye & ENT Hospital of Fudan University
Classification: VUS-mid for Autosomal recessive nonsyndromic hearing loss 9. Last evaluated: 2026-02-04. Review status: no assertion criteria provided. Collection method: clinical testing. Allele origin: germline. Inheritance: Autosomal recessive inheritance. Affected: yes. Not counted in ClinVar's aggregate classification.
Comment: The c.1694T>C missense variant in OTOF is absent from population databases (PM2_Supporting). The REVEL score is 0.927 (PP3_Moderate).

NM_194248.3(OTOF):c.1694T>C (p.Phe565Ser)

Gene: OTOF (otoferlin; minus strand). Cytogenetic location: 2p23.3.
Variant type: single nucleotide variant.
Coding change: c.1694T>C on transcript NM_194248.3 (MANE Select); coding-DNA position 1694, T replaced by C.
Protein change: p.Phe565Ser; replaces phenylalanine 565 with serine.
Molecular consequence: missense variant.
Genome position (GRCh38, 1-based): chr2:26,480,895, A>G on the plus strand (T>C on the coding strand, the complement: OTOF is on the minus strand). VCF-style: chr2-26480895-A-G. GRCh37 (hg19) VCF-style: chr2-26703763-A-G.
Other names: c.1694T>C, p.Phe565Ser (NM_001287489.2); short protein forms F565S.
Identifiers: ClinVar variation 2822207 (VCV002822207.4), dbSNP rs1310233073, ClinGen allele CA346133280.